The following is an entry in ClinVar:

ClinVar aggregate classification (germline): Uncertain significance. Review status: criteria provided, multiple submitters, no conflicts (2 of 4 stars). 4 submissions from 4 submitters: Uncertain significance (4). Last evaluated 2025-12-18.

Conditions:
OPA1-related disorder. Also called: OPA1-related disorders; OPA1-related condition.

Allele frequency attached by ClinVar (database versions not stated): ESP Exome Variant Server 0.00008.

Submissions (4):

PreventionGenetics, part of Exact Sciences
Classification: Uncertain significance for OPA1-related condition. Last evaluated: 2025-12-18. Review status: criteria provided, single submitter. Criteria: ACMG Guidelines, 2015. Collection method: clinical testing. Allele origin: germline.
Comment: The OPA1 c.739C>T variant is predicted to result in the amino acid substitution p.Arg247Cys. This variant is deep intronic in transcript NM_015560: c.625-5460C>T. To our knowledge, this variant has not been reported in the literature. This variant is present in 0.0056% of alleles in individuals of Latino descent in gnomAD. At this time, the clinical significance of this variant is uncertain due to the absence of conclusive functional and genetic evidence.

Labcorp Genetics (formerly Invitae), Labcorp
Classification: Uncertain significance. Last evaluated: 2025-04-22. Review status: criteria provided, single submitter. Criteria: Invitae Variant Classification Sherloc (09022015). Collection method: clinical testing. Allele origin: germline.
Comment: The OPA1 gene has multiple clinically relevant transcripts. This variant occurs in alternate transcript NM_130837.2, and corresponds to NM_015560.2:c.625-5460C>T in the primary transcript. This sequence change replaces arginine, which is basic and polar, with cysteine, which is neutral and slightly polar, at codon 247 of the OPA1 protein (p.Arg247Cys). This variant is present in population databases (rs372957905, gnomAD 0.006%). This variant has not been reported in the literature in individuals affected with OPA1-related conditions. ClinVar contains an entry for this variant (Variation ID: 1800709). Algorithms developed to predict the effect of sequence changes on RNA splicing suggest that this variant is not likely to affect RNA splicing. In summary, the available evidence is currently insufficient to determine the role of this variant in disease. Therefore, it has been classified as a Variant of Uncertain Significance.

GeneDx
Classification: Uncertain significance. Last evaluated: 2024-10-18. Review status: criteria provided, single submitter. Criteria: GeneDx Variant Classification Process June 2021. Collection method: clinical testing. Allele origin: germline.
Comment: Has not been previously published as pathogenic or benign to our knowledge; In silico analysis indicates that this variant does not alter splicing; Reported using an alternate transcript of the gene

Mayo Clinic Laboratories, Mayo Clinic
Classification: Uncertain significance. Last evaluated: 2024-08-09. Review status: criteria provided, single submitter. Criteria: ACMG Guidelines, 2015. Collection method: clinical testing. Allele origin: germline. Observed: 1 variant allele.

NM_130837.3(OPA1):c.739C>T (p.Arg247Cys)

Genes: OPA1 (OPA1 mitochondrial dynamin like GTPase; plus strand), OPA1-AS1 (OPA1 antisense RNA 1; minus strand). Cytogenetic location: 3q29.
Variant type: single nucleotide variant.
Coding change: c.739C>T on transcript NM_130837.3 (MANE Select); coding-DNA position 739, C replaced by T.
Protein change: p.Arg247Cys; replaces arginine 247 with cysteine.
Molecular consequence: missense variant. On other transcripts: intron variant (5).
Genome position (GRCh38, 1-based): chr3:193,626,152, C>T. VCF-style: chr3-193626152-C-T. GRCh37 (hg19) VCF-style: chr3-193343941-C-T.
Other names: p.?; c.205C>T, p.Arg69Cys (NM_001354663.2); c.577C>T, p.Arg193Cys (NM_130833.3); c.631C>T, p.Arg211Cys (NM_130835.3); c.685C>T, p.Arg229Cys (NM_130836.3); c.625-5460C>T (NM_015560.2, NM_015560.3); c.253-5460C>T (NM_001354664.2); c.679-5460C>T (NM_130834.3); and 2 more; short protein forms R193C, R211C, R229C, R247C, R69C.
Identifiers: ClinVar variation 1800709 (VCV001800709.10), dbSNP rs372957905, ClinGen allele CA90574844.
Genomic context (GRCh38, chr3:193,626,152, plus strand): 5'-GGTCTGCTTGGTGAGCTCATTCTCTTACAACAACAAATTCAAGAGCATGAAGAGGAAGCG[C>T]GCAGAGCCGCTGGCCAATATAGCACGAGCTATGCCCAACAGAAGCGCAAGGTGATGGATG-3'
Protein context (NP_570850.2, residues 237-257): QQIQEHEEEA[Arg247Cys]RAAGQYSTSY